The following is an entry in ClinVar:

NM_000256.3(MYBPC3):c.857G>A (p.Ser286Asn)

Gene: MYBPC3 (myosin binding protein C3; minus strand). Cytogenetic location: 11p11.2.
Variant type: single nucleotide variant.
Coding change: c.857G>A on transcript NM_000256.3 (MANE Select); coding-DNA position 857, G replaced by A.
Protein change: p.Ser286Asn; replaces serine 286 with asparagine.
Molecular consequence: missense variant.
Genome position (GRCh38, 1-based): chr11:47,347,474, C>T on the plus strand (G>A on the coding strand, the complement: MYBPC3 is on the minus strand). VCF-style: chr11-47347474-C-T. GRCh37 (hg19) VCF-style: chr11-47369025-C-T.
Other names: short protein forms S286N.
Identifiers: ClinVar variation 2981536 (VCV002981536.5), dbSNP rs2495774134, ClinGen allele CA380333385.

ClinVar aggregate classification (germline): Uncertain significance. Review status: criteria provided, multiple submitters, no conflicts (2 of 4 stars). 3 submissions from 3 submitters: Uncertain significance (3). Last evaluated 2025-09-11.

Conditions:
Hypertrophic cardiomyopathy. Also called: HYPERTROPHIC MYOCARDIOPATHY. Identifiers: Orphanet 217569, MedGen C0007194, MeSH D002312, MONDO:0005045, HP:0001639.
Cardiomyopathy (CMYO). Also called: Cardiomyopathies. Identifiers: Orphanet 167848, MedGen C0878544, MONDO:0004994, HP:0001638. Inheritance: Various modes of inheritance.

Allele frequency attached by ClinVar (database versions not stated): gnomAD exomes below 0.00001.

Submissions (3):

Color Diagnostics, LLC DBA Color Health
Classification: Uncertain significance for Cardiomyopathy. Last evaluated: 2025-09-11. Review status: criteria provided, single submitter. Criteria: ACMG Guidelines, 2015. Collection method: clinical testing. Allele origin: germline.
Comment: This missense variant replaces serine with asparagine at codon 286 of the MYBPC3 protein. Computational prediction suggests that this variant may not impact protein structure and function. To our knowledge, functional studies have not been reported for this variant. This variant has not been reported in individuals affected with MYBPC3-related disorders in the literature. This variant has not been identified in the general population by the Genome Aggregation Database (gnomAD). The available evidence is insufficient to determine the role of this variant in disease conclusively. Therefore, this variant is classified as a Variant of Uncertain Significance.

Labcorp Genetics (formerly Invitae), Labcorp
Classification: Uncertain significance for Hypertrophic cardiomyopathy. Last evaluated: 2023-08-30. Review status: criteria provided, single submitter. Criteria: Invitae Variant Classification Sherloc (09022015). Collection method: clinical testing. Allele origin: germline.
Comment: In summary, the available evidence is currently insufficient to determine the role of this variant in disease. Therefore, it has been classified as a Variant of Uncertain Significance. An algorithm developed to predict the effect of missense changes on protein structure and function (PolyPhen-2) suggests that this variant is likely to be tolerated. This variant has not been reported in the literature in individuals affected with MYBPC3-related conditions. This variant is not present in population databases (gnomAD no frequency). This sequence change replaces serine, which is neutral and polar, with asparagine, which is neutral and polar, at codon 286 of the MYBPC3 protein (p.Ser286Asn).

All of Us Research Program, National Institutes of Health
Classification: Uncertain significance for Hypertrophic cardiomyopathy. Last evaluated: 2023-06-26. Review status: criteria provided, single submitter. Criteria: ACMG Guidelines, 2015. Collection method: clinical testing. Allele origin: germline. Inheritance: Autosomal dominant inheritance. Observed: 1 variant allele, 1 heterozygote.
Comment: This missense variant replaces serine with asparagine at codon 286 of the MYBPC3 protein. Computational prediction suggests that this variant may not impact protein structure and function (internally defined REVEL score threshold <= 0.5, PMID: 27666373). To our knowledge, functional studies have not been reported for this variant. This variant has not been reported in individuals affected with MYBPC3-related disorders in the literature. This variant has not been identified in the general population by the Genome Aggregation Database (gnomAD). The available evidence is insufficient to determine the role of this variant in disease conclusively. Therefore, this variant is classified as a Variant of Uncertain Significance.

This study involves interpretation of variants in research participants for the purpose of population health screening. Participant phenotype was not available at the time of variant classification. Additional details can be found in publication PMID: 35346344, PMCID: PMC8962531